The following is an entry in ClinVar:

ClinVar aggregate classification (germline): Likely pathogenic (1 of 4 stars; one submission).

Conditions:
Autosomal recessive limb-girdle muscular dystrophy type 2J (LGMDR10). Also called: Limb-girdle muscular dystrophy, type 2J; MUSCULAR DYSTROPHY, LIMB-GIRDLE, AUTOSOMAL RECESSIVE 10. Identifiers: Orphanet 140922, MedGen C1837342, MONDO:0012127, OMIM 608807.
Dilated cardiomyopathy 1G (CMD1G). Identifiers: Orphanet 154, MedGen C1858763, MONDO:0011400, OMIM 604145.

gnomAD v4.1: 1 of 1,611,074 alleles (0.000062%); highest among the groups gnomAD compares: Non-Finnish European, 0.000085%; no homozygotes.

Submission:

Labcorp Genetics (formerly Invitae), Labcorp
Classification: Likely pathogenic for Dilated cardiomyopathy 1G; Autosomal recessive limb-girdle muscular dystrophy type 2J. Last evaluated: 2025-05-04. Review status: criteria provided, single submitter. Criteria: Invitae Variant Classification Sherloc (09022015). Collection method: clinical testing. Allele origin: germline.
Comment: This sequence change creates a premature translational stop signal (p.Glu21847*) in the TTN gene. While this is not anticipated to result in nonsense mediated decay, it is expected to create a truncated TTN protein. This variant is not present in population databases (gnomAD no frequency). This variant has not been reported in the literature in individuals affected with TTN-related conditions. This variant is located in the A band of TTN (PMID: 25589632). Truncating variants in this region are significantly overrepresented in patients affected with dilated cardiomyopathy (PMID: 25589632). Truncating variants in this region have also been reported in individuals affected with autosomal recessive centronuclear myopathy (PMID: 23975875). In summary, the currently available evidence indicates that the variant is pathogenic, but additional data are needed to prove that conclusively. Therefore, this variant has been classified as Likely Pathogenic.

Literature cited by the submitters: PubMed 25589632; PubMed 23975875.

NM_001267550.2(TTN):c.65539G>T (p.Glu21847Ter)

Genes: TTN (titin; minus strand), TTN-AS1 (TTN antisense RNA 1; plus strand). Cytogenetic location: 2q31.2.
Variant type: single nucleotide variant.
Coding change: c.65539G>T on transcript NM_001267550.2 (MANE Select); coding-DNA position 65539, G replaced by T.
Protein change: p.Glu21847Ter; replaces glutamic acid 21847 with a stop codon.
Molecular consequence: nonsense. On other transcripts: non-coding transcript variant (1).
Genome position (GRCh38, 1-based): chr2:178,583,643, C>A on the plus strand (G>T on the coding strand, the complement: TTN is on the minus strand). VCF-style: chr2-178583643-C-A. GRCh37 (hg19) VCF-style: chr2-179448370-C-A.
Other names: c.60616G>T, p.Glu20206Ter (NM_001256850.1); c.38344G>T, p.Glu12782Ter (NM_003319.4); c.57835G>T, p.Glu19279Ter (NM_133378.4); c.38719G>T, p.Glu12907Ter (NM_133432.3); c.38920G>T, p.Glu12974Ter (NM_133437.4); short protein forms E20206*, E21847*, E12907*, E12782*, E12974*, E19279*.
Identifiers: ClinVar variation 4784898 (VCV004784898.1).